The following is an entry in ClinVar:

NM_001142864.4(PIEZO1):c.5413C>G (p.Leu1805Val)

Gene: PIEZO1 (piezo type mechanosensitive ion channel component 1 (Er blood group); minus strand). Cytogenetic location: 16q24.3.
Variant type: single nucleotide variant.
Coding change: c.5413C>G on transcript NM_001142864.4 (MANE Select); coding-DNA position 5413, C replaced by G.
Protein change: p.Leu1805Val; replaces leucine 1805 with valine.
Molecular consequence: missense variant.
Genome position (GRCh38, 1-based): chr16:88,721,421, G>C on the plus strand (C>G on the coding strand, the complement: PIEZO1 is on the minus strand). VCF-style: chr16-88721421-G-C. GRCh37 (hg19) VCF-style: chr16-88787829-G-C.
Other names: c.5413C>G (NM_001142864.2); c.3955C>G, p.Leu1319Val (NM_014745.1); short protein forms L1319V, L1805V.
Identifiers: ClinVar variation 2629155 (VCV002629155.4), dbSNP rs201769196, ClinGen allele CA286409564.

ClinVar aggregate classification (germline): Uncertain significance. Review status: criteria provided, multiple submitters, no conflicts (2 of 4 stars). 3 submissions from 3 submitters: Uncertain significance (3). Last evaluated 2025-09-04.

Conditions:
Inborn genetic diseases. Identifiers: MedGen C0950123, MeSH D030342.
PIEZO1-related disorder. Also called: PIEZO1-related condition; PIEZO1-Related Disorders.

Allele frequency attached by ClinVar (database versions not stated): 1000 Genomes Project 30x 0.00031.
gnomAD v4.1: 44 of 1,549,160 alleles (0.0028%); highest among the groups gnomAD compares: South Asian, 0.011%; no homozygotes.

Submissions (3):

PreventionGenetics, part of Exact Sciences
Classification: Uncertain significance for PIEZO1-related condition. Last evaluated: 2025-09-04. Review status: criteria provided, single submitter. Criteria: ACMG Guidelines, 2015. Collection method: clinical testing. Allele origin: germline.
Comment: The PIEZO1 c.5413C>G variant is predicted to result in the amino acid substitution p.Leu1805Val. To our knowledge, this variant has not been reported in the literature. This variant is reported in 0.0060% of alleles in individuals of African descent in gnomAD. At this time, the clinical significance of this variant is uncertain due to the absence of conclusive functional and genetic evidence.

Revvity Omics, Revvity
Classification: Uncertain significance. Last evaluated: 2025-05-07. Review status: criteria provided, single submitter. Criteria: ACMG Guidelines, 2015. Collection method: clinical testing. Allele origin: germline.

Ambry Genetics
Classification: Uncertain significance for Inborn genetic diseases. Last evaluated: 2024-12-17. Review status: criteria provided, single submitter. Criteria: Ambry Variant Classification Scheme 2023. Collection method: clinical testing. Allele origin: germline.